The following is an entry in ClinVar:

NM_001009999.3(KDM1A):c.1930G>A (p.Ala644Thr)

Gene: KDM1A (lysine demethylase 1A; plus strand). Cytogenetic location: 1p36.12.
Variant type: single nucleotide variant.
Coding change: c.1930G>A on transcript NM_001009999.3 (MANE Select); coding-DNA position 1930, G replaced by A.
Protein change: p.Ala644Thr; replaces alanine 644 with threonine.
Molecular consequence: missense variant.
Genome position (GRCh38, 1-based): chr1:23,079,052, G>A. VCF-style: chr1-23079052-G-A. GRCh37 (hg19) VCF-style: chr1-23405545-G-A.
Other names: c.1876G>A, p.Ala626Thr (NM_001363654.2); c.1936G>A, p.Ala646Thr (NM_001410762.1); c.1858G>A, p.Ala620Thr (NM_001410763.1, NM_015013.4); short protein forms A620T, A626T, A644T, A646T.
Identifiers: ClinVar variation 2433052 (VCV002433052.5), dbSNP rs1244958458, ClinGen allele CA338970964.

ClinVar aggregate classification (germline): Uncertain significance. Review status: criteria provided, multiple submitters, no conflicts (2 of 4 stars). 3 submissions from 3 submitters: Uncertain significance (3). Last evaluated 2026-03-09.

Conditions:
Palatal anomalies-widely spaced teeth-facial dysmorphism-developmental delay syndrome. Also called: Cleft palate, psychomotor retardation, and distinctive facial features. Identifiers: Orphanet 477993, MedGen C4225229, MONDO:0014751, OMIM 616728.
Inborn genetic diseases. Identifiers: MedGen C0950123, MeSH D030342.

Allele frequency attached by ClinVar (database versions not stated): gnomAD exomes below 0.00001; gnomAD 0.00001; TOPMed 0.00001.
gnomAD v4.1: 4 of 1,613,994 alleles (0.00025%); highest among the groups gnomAD compares: East Asian, 0.0022%; no homozygotes.

Submissions (3):

Ambry Genetics
Classification: Uncertain significance for Inborn genetic diseases. Last evaluated: 2026-03-09. Review status: criteria provided, single submitter. Criteria: Ambry Variant Classification Scheme 2023. Collection method: clinical testing. Allele origin: germline.
Comment: The p.A644T variant (also known as c.1930G>A), located in coding exon 17 of the KDM1A gene, results from a G to A substitution at nucleotide position 1930. The alanine at codon 644 is replaced by threonine, an amino acid with similar properties. This amino acid position is conserved. In addition, this alteration is predicted to be deleterious by in silico analysis. Based on the available evidence, the clinical significance of this variant remains unclear.

Labcorp Genetics (formerly Invitae), Labcorp
Classification: Uncertain significance. Last evaluated: 2025-08-18. Review status: criteria provided, single submitter. Criteria: Invitae Variant Classification Sherloc (09022015). Collection method: clinical testing. Allele origin: germline.
Comment: This sequence change replaces alanine, which is neutral and non-polar, with threonine, which is neutral and polar, at codon 644 of the KDM1A protein (p.Ala644Thr). This variant is present in population databases (no rsID available, gnomAD 0.01%). This variant has not been reported in the literature in individuals affected with KDM1A-related conditions. ClinVar contains an entry for this variant (Variation ID: 2433052). Invitae Evidence Modeling of protein sequence and biophysical properties (such as structural, functional, and spatial information, amino acid conservation, physicochemical variation, residue mobility, and thermodynamic stability) has been performed for this missense variant. However, the output from this modeling did not meet the statistical confidence thresholds required to predict the impact of this variant on KDM1A protein function. In summary, the available evidence is currently insufficient to determine the role of this variant in disease. Therefore, it has been classified as a Variant of Uncertain Significance.

Revvity Omics, Revvity
Classification: Uncertain significance for Palatal anomalies-widely spaced teeth-facial dysmorphism-developmental delay syndrome. Last evaluated: 2020-09-18. Review status: criteria provided, single submitter. Criteria: ACMG Guidelines, 2015. Collection method: clinical testing. Allele origin: germline.